The following is an entry in ClinVar:

NM_000208.4(INSR):c.356C>T (p.Ala119Val)

Gene: INSR (insulin receptor; minus strand). Cytogenetic location: 19p13.2.
Variant type: single nucleotide variant.
Coding change: c.356C>T on transcript NM_000208.4 (MANE Select); coding-DNA position 356, C replaced by T.
Protein change: p.Ala119Val; replaces alanine 119 with valine.
Molecular consequence: missense variant.
Genome position (GRCh38, 1-based): chr19:7,267,641, G>A on the plus strand (C>T on the coding strand, the complement: INSR is on the minus strand). VCF-style: chr19-7267641-G-A. GRCh37 (hg19) VCF-style: chr19-7267652-G-A.
Other names: c.356C>T (NM_000208.3); c.356C>T, p.Ala119Val (NM_001079817.3); short protein forms A119V.
Identifiers: ClinVar variation 2200202 (VCV002200202.7), dbSNP rs1347473020, ClinGen allele CA403159910.

ClinVar aggregate classification (germline): Conflicting classifications of pathogenicity. Review status: criteria provided, conflicting classifications (1 of 4 stars). 4 submissions from 4 submitters: Likely pathogenic (3); Uncertain significance (1). Last evaluated 2025-10-16.

Conditions:
INSR-related disorder.

Allele frequency attached by ClinVar (database versions not stated): TOPMed 0.00001; gnomAD 0.00001; gnomAD exomes 0.00002.
gnomAD v4.1: 36 of 1,613,860 alleles (0.0022%); highest among the groups gnomAD compares: Non-Finnish European, 0.0028%; no homozygotes.

Submissions (4):

Genetic Services Laboratory, University of Chicago
Classification: Likely pathogenic. Last evaluated: 2025-10-16. Review status: criteria provided, single submitter. Criteria: ACMG Guidelines, 2015. Collection method: clinical testing. Allele origin: germline.
Comment: The c.356C>T variant: Results in an amino acid change, p.Ala119Val. Affects a highly conserved amino acid residue located in a domain of the INSR protein that is known to be functional. Appears to be deleterious using several in-silico pathogenicity prediction tools. Has been previously described in individuals with clinical features of autosomal recessive Donohue syndrome (PMID: 12023989, 23824322). Showed impaired insulin binding during expression studies in CHO (Chinese hamster ovary) cells (PMID: 12023989). Is reported in the gnomAD v4 database with a frequency of 0.0027% in the European subpopulation (dbSNP rs1347473020). ClinVar contains an entry for this variant (Variation ID: 2200202). Collectively, this evidence indicates that this variant is likely pathogenic.

Blueprint Genetics
Classification: Likely pathogenic for INSR-related disorders. Last evaluated: 2024-04-08. Review status: criteria provided, single submitter. Criteria: ACMG Guidelines, 2015. Collection method: clinical testing. Allele origin: germline. Affected: yes. Observed: 2 variant alleles.

Labcorp Genetics (formerly Invitae), Labcorp
Classification: Likely pathogenic. Last evaluated: 2023-12-11. Review status: criteria provided, single submitter. Criteria: Invitae Variant Classification Sherloc (09022015). Collection method: clinical testing. Allele origin: germline.
Comment: This sequence change replaces alanine, which is neutral and non-polar, with valine, which is neutral and non-polar, at codon 119 of the INSR protein (p.Ala119Val). This variant is present in population databases (no rsID available, gnomAD 0.003%). This missense change has been observed in individuals with clinical features of autosomal recessive INSR-related conditions (PMID: 12023989, 23824322; Invitae). This variant is also known as A92V. ClinVar contains an entry for this variant (Variation ID: 2200202). Advanced modeling of protein sequence and biophysical properties (such as structural, functional, and spatial information, amino acid conservation, physicochemical variation, residue mobility, and thermodynamic stability) performed at Invitae indicates that this missense variant is expected to disrupt INSR protein function with a positive predictive value of 80%. Experimental studies have shown that this missense change affects INSR function (PMID: 12023989). In summary, the currently available evidence indicates that the variant is pathogenic, but additional data are needed to prove that conclusively. Therefore, this variant has been classified as Likely Pathogenic.

PreventionGenetics, part of Exact Sciences
Classification: Uncertain significance for INSR-related condition. Last evaluated: 2023-05-05. Review status: criteria provided, single submitter. Criteria: ACMG Guidelines, 2015. Collection method: clinical testing. Allele origin: germline.
Comment: The INSR c.356C>T variant is predicted to result in the amino acid substitution p.Ala119Val. This variant has been reported in the compound heterozygous state or presumed compound heterozygous state in individuals with leprechaunism (also known as Donahue syndrome) (Reported as 356C>T, A92V, Patient FL-1, Longo et al. 2002. PubMed ID: 12023989; Patient 2, Grasso et al. 2013. PubMed ID: 23824322). This variant is reported in 0.0026% of alleles in individuals of European (Non-Finnish) descent in gnomAD. While we suspect this variant is pathogenic, at this time, the clinical significance of this variant is uncertain due to the absence of conclusive functional and genetic evidence.

Literature cited by the submitters: PubMed 12023989 (cited by Labcorp Genetics (formerly Invitae), Labcorp); PubMed 23824322 (cited by Labcorp Genetics (formerly Invitae), Labcorp).